The following is an entry in ClinVar:

ClinVar aggregate classification (germline): Benign/Likely benign. Review status: criteria provided, multiple submitters, no conflicts (2 of 4 stars). 4 submissions from 4 submitters: Benign (2); Likely benign (1). 1 of the submissions does not count toward it. Last evaluated 2026-01-18.

Conditions:
IGSF10-related disorder. Also called: IGSF10-related condition.

Allele frequency attached by ClinVar (database versions not stated): ExAC 0.00661; gnomAD exomes 0.00837 and 0.00623; 1000 Genomes Project 0.00459; 1000 Genomes Project 30x 0.00468; TOPMed 0.00527; gnomAD 0.00604 and 0.00613; ESP Exome Variant Server 0.00638.
gnomAD v4.1: 13,094 of 1,613,964 alleles (0.81%); highest among the groups gnomAD compares: South Asian, 0.93%; 68 homozygotes.

Submissions (4):

Labcorp Genetics (formerly Invitae), Labcorp
Classification: Benign. Last evaluated: 2026-01-18. Review status: criteria provided, single submitter. Criteria: Invitae Variant Classification Sherloc (09022015). Collection method: clinical testing. Allele origin: germline.

CeGaT Center for Human Genetics Tuebingen
Classification: Likely benign. Last evaluated: 2025-07-01. Review status: criteria provided, single submitter. Criteria: CeGaT Center For Human Genetics Tuebingen Variant Classification Criteria Version 2. Collection method: clinical testing. Allele origin: germline. Affected: yes. Observed: 6 variant alleles.
Comment: IGSF10: BP4, BS2

Breakthrough Genomics
Classification: Benign. Review status: criteria provided, single submitter. Criteria: ACMG Guidelines, 2015. Collection method: not provided. Allele origin: germline. Inheritance: Unknown mechanism. Affected: yes.

PreventionGenetics, part of Exact Sciences
Classification: Likely benign for IGSF10-related condition. Last evaluated: 2019-02-20. Review status: no assertion criteria provided. Collection method: clinical testing. Allele origin: germline. Not counted in ClinVar's aggregate classification.
Comment: This variant is classified as likely benign based on ACMG/AMP sequence variant interpretation guidelines (Richards et al. 2015 PMID: 25741868, with internal and published modifications).

NM_178822.5(IGSF10):c.3712A>G (p.Thr1238Ala)

Gene: IGSF10 (immunoglobulin superfamily member 10; minus strand). Cytogenetic location: 3q25.1.
Variant type: single nucleotide variant.
Coding change: c.3712A>G on transcript NM_178822.5 (MANE Select); coding-DNA position 3712, A replaced by G.
Protein change: p.Thr1238Ala; replaces threonine 1238 with alanine.
Molecular consequence: missense variant.
Genome position (GRCh38, 1-based): chr3:151,446,269, T>C on the plus strand (A>G on the coding strand, the complement: IGSF10 is on the minus strand). VCF-style: chr3-151446269-T-C. GRCh37 (hg19) VCF-style: chr3-151164057-T-C.
Other names: c.3712A>G, p.Thr1238Ala (NM_001385060.1, NM_001385061.1, NM_001385062.1 and 1 more transcripts); short protein forms T1238A.
Identifiers: ClinVar variation 787614 (VCV000787614.35), dbSNP rs144316007, ClinGen allele CA2670119.